The following is an entry in ClinVar:

NM_006231.4(POLE):c.63-2A>G

Gene: POLE (DNA polymerase epsilon, catalytic subunit; minus strand). Cytogenetic location: 12q24.33.
Variant type: single nucleotide variant.
Coding change: c.63-2A>G on transcript NM_006231.4 (MANE Select); the canonical splice acceptor site of the intron before coding-DNA position 63, A replaced by G.
Molecular consequence: splice acceptor variant.
Genome position (GRCh38, 1-based): chr12:132,681,281, T>C on the plus strand (A>G on the coding strand, the complement: POLE is on the minus strand). VCF-style: chr12-132681281-T-C. GRCh37 (hg19) VCF-style: chr12-133257867-T-C.
Other names: c.63-2A>G (NM_006231.2).
Identifiers: ClinVar variation 1493085 (VCV001493085.9), dbSNP rs2043162649, ClinGen allele CA387370759.

ClinVar aggregate classification (germline): Conflicting classifications of pathogenicity. Review status: criteria provided, conflicting classifications (1 of 4 stars). 2 submissions from 2 submitters: Likely pathogenic (1); Uncertain significance (1). Last evaluated 2026-08-14.

Conditions:
Hereditary cancer-predisposing syndrome. Also called: Hereditary Cancer Syndrome; Tumor predisposition; Neoplastic Syndromes, Hereditary; Hereditary neoplastic syndrome. Identifiers: Orphanet 140162, MedGen C0027672, MeSH D009386, MONDO:0015356.

Allele frequency attached by ClinVar (database versions not stated): TOPMed below 0.00001; gnomAD 0.00001.
gnomAD v4.1: 1 of 1,613,750 alleles (0.000062%); highest among the groups gnomAD compares: Admixed American, 0.0017%; no homozygotes.

Submissions (2):

Ambry Genetics
Classification: Uncertain significance for Hereditary cancer-predisposing syndrome. Last evaluated: 2026-08-14. Review status: criteria provided, single submitter. Criteria: Ambry Variant Classification Scheme 2023. Collection method: clinical testing. Allele origin: germline.
Comment: The c.63-2A>G intronic variant results from an A to G substitution two nucleotides upstream from coding exon 2 in the POLE gene. In silico splice site analysis predicts that this alteration will weaken the native splice acceptor site and will result in the creation or strengthening of a novel splice acceptor site. The stop codon in the predicted resulting transcript occurs in the 5' end ofthe gene. As such, this variant may escape nonsense-mediated mRNAdecay and/or be prone to rescue by reinitiation (Rivas et al. Science. 2015 May 8;348(6235):666-9; Lindeboom et al. Nat Genet. 2016 Oct;48(10):1112-8; Rhee et al. Sci Rep. 2017 May 10;7(1):1653). The exact functional effect of this variant is unknown. This nucleotide position is highly conserved in available vertebrate species. Although biallelic loss of function of POLE has been associated with autosomal recessive POLE deficiency, haploinsufficiency of POLE has not been established as a mechanism of disease for POLE-related polymerase proofreading-associated polyposis (PPAP) and POLE-related CMMRD-like syndrome. Based on the supporting evidence, this variant is expected to be causative of POLE deficiency when present along with a second pathogenic variant on the other allele; however, its clinical significance for PPAP and POLE-related CMMRD-like syndrome is unclear.

Labcorp Genetics (formerly Invitae), Labcorp
Classification: Likely pathogenic. Last evaluated: 2022-10-29. Review status: criteria provided, single submitter. Criteria: Invitae Variant Classification Sherloc (09022015). Collection method: clinical testing. Allele origin: germline.
Comment: This variant is not present in population databases (gnomAD no frequency). This sequence change affects an acceptor splice site in intron 1 of the POLE gene. It is expected to disrupt RNA splicing. Variants that disrupt the donor or acceptor splice site typically lead to a loss of protein function (PMID: 16199547), and loss-of-function variants in POLE are known to be pathogenic (PMID: 23230001, 25948378, 30503519). This variant has not been reported in the literature in individuals affected with POLE-related conditions. In summary, the currently available evidence indicates that the variant is pathogenic, but additional data are needed to prove that conclusively. Therefore, this variant has been classified as Likely Pathogenic. Algorithms developed to predict the effect of sequence changes on RNA splicing suggest that this variant may disrupt the consensus splice site. ClinVar contains an entry for this variant (Variation ID: 1493085).

Literature cited by the submitters: PubMed 16199547 (cited by Labcorp Genetics (formerly Invitae), Labcorp); PubMed 23230001 (cited by Labcorp Genetics (formerly Invitae), Labcorp); PubMed 25948378 (cited by Labcorp Genetics (formerly Invitae), Labcorp); PubMed 30503519 (cited by Labcorp Genetics (formerly Invitae), Labcorp).